The following is an entry in ClinVar:

NM_002474.3(MYH11):c.322C>T (p.Arg108Trp)

Gene: MYH11 (myosin heavy chain 11; minus strand). Cytogenetic location: 16p13.11.
Variant type: single nucleotide variant.
Coding change: c.322C>T on transcript NM_002474.3 (MANE Select); coding-DNA position 322, C replaced by T.
Protein change: p.Arg108Trp; replaces arginine 108 with tryptophan.
Molecular consequence: missense variant.
Genome position (GRCh38, 1-based): chr16:15,837,931, G>A on the plus strand (C>T on the coding strand, the complement: MYH11 is on the minus strand). VCF-style: chr16-15837931-G-A. GRCh37 (hg19) VCF-style: chr16-15931788-G-A.
Other names: c.322C>T, p.Arg108Trp (NM_001040113.2, NM_001040114.2, NM_022844.3); short protein forms R108W.
Identifiers: ClinVar variation 3074595 (VCV003074595.1), dbSNP rs2043943581, ClinGen allele CA395198185.
Genomic context (GRCh38, chr16:15,837,931, plus strand): 5'-GGCCAGGAGTAGGTACCTGGCTGCCTGCAATACTCACATATATTAGCCCTGAGAAGTACC[G>A]CTCCCTCAGGTTGTGTAGCACGGAGGCTTCGTTGAGGCACGTCAGCTCCGCCATGTCCTC-3'
Protein context (NP_002465.1, residues 98-118): EASVLHNLRE[Arg108Trp]YFSGLIYTYS

ClinVar aggregate classification (germline): Uncertain significance (1 of 4 stars; one submission).

Conditions:
Familial thoracic aortic aneurysm and aortic dissection (TAAD). Also called: Thoracic aortic aneurysms and dissections. Identifiers: Orphanet 91387, MedGen C4707243, MONDO:0019625.

Allele frequency attached by ClinVar (database versions not stated): gnomAD exomes below 0.00001.
gnomAD v4.1: 2 of 1,613,864 alleles (0.00012%); highest among the groups gnomAD compares: Non-Finnish European, 0.00017%; no homozygotes.

Submission:

All of Us Research Program, National Institutes of Health
Classification: Uncertain significance for Familial thoracic aortic aneurysm and aortic dissection. Last evaluated: 2023-11-20. Review status: criteria provided, single submitter. Criteria: ACMG Guidelines, 2015. Collection method: clinical testing. Allele origin: germline. Inheritance: Autosomal dominant inheritance. Observed: 1 variant allele, 1 heterozygote.
Comment: This missense variant replaces arginine with tryptophan at codon 108 of the MYH11 protein. Computational prediction suggests that this variant may have deleterious impact on protein structure and function (internally defined REVEL score threshold >= 0.7, PMID: 27666373). To our knowledge, functional studies have not been reported for this variant. This variant has not been reported in individuals affected with MYH11-related disorders in the literature. This variant has not been identified in the general population by the Genome Aggregation Database (gnomAD). The available evidence is insufficient to determine the role of this variant in disease conclusively. Therefore, this variant is classified as a Variant of Uncertain Significance.

This study involves interpretation of variants in research participants for the purpose of population health screening. Participant phenotype was not available at the time of variant classification. Additional details can be found in publication PMID: 35346344, PMCID: PMC8962531